The following is an entry in ClinVar:

NM_014956.5(CEP164):c.3773C>T (p.Ser1258Phe)

Gene: CEP164 (centrosomal protein 164; plus strand). Cytogenetic location: 11q23.3.
Variant type: single nucleotide variant.
Coding change: c.3773C>T on transcript NM_014956.5 (MANE Select); coding-DNA position 3773, C replaced by T.
Protein change: p.Ser1258Phe; replaces serine 1258 with phenylalanine.
Molecular consequence: missense variant.
Genome position (GRCh38, 1-based): chr11:117,409,642, C>T. VCF-style: chr11-117409642-C-T. GRCh37 (hg19) VCF-style: chr11-117280358-C-T.
Other names: c.3758C>T, p.Ser1253Phe (NM_001271933.2); short protein forms S1258F, S1253F.
Identifiers: ClinVar variation 767109 (VCV000767109.16), dbSNP rs148424362, ClinGen allele CA6295579.

ClinVar aggregate classification (germline): Benign/Likely benign. Review status: criteria provided, multiple submitters, no conflicts (2 of 4 stars). 5 submissions from 5 submitters: Benign (2); Likely benign (2). 1 of the submissions does not count toward it. Last evaluated 2026-01-19.

Conditions:
CEP164-related disorder. Also called: CEP164-related condition.
Nephronophthisis 15 (NPHP15). Identifiers: Orphanet 3156, MedGen C3541853, MONDO:0013917, OMIM 614845.
Inborn genetic diseases. Identifiers: MedGen C0950123, MeSH D030342.

Allele frequency attached by ClinVar (database versions not stated): gnomAD exomes 0.00028 and 0.00080; ExAC 0.00097; 1000 Genomes Project 0.00260; 1000 Genomes Project 30x 0.00265; ESP Exome Variant Server 0.00277; gnomAD 0.00278 and 0.00302; TOPMed 0.00317.
gnomAD v4.1: 836 of 1,610,380 alleles (0.052%); highest among the groups gnomAD compares: African/African-American, 1%; 4 homozygotes.

Submissions (5):

Labcorp Genetics (formerly Invitae), Labcorp
Classification: Benign for Nephronophthisis 15. Last evaluated: 2026-01-19. Review status: criteria provided, single submitter. Criteria: Invitae Variant Classification Sherloc (09022015). Collection method: clinical testing. Allele origin: germline.

Blueprint Genetics
Classification: Likely benign. Last evaluated: 2024-07-11. Review status: criteria provided, single submitter. Criteria: ACMG Guidelines, 2015. Collection method: clinical testing. Allele origin: germline.

Ambry Genetics
Classification: Likely benign for Inborn genetic diseases. Last evaluated: 2024-05-10. Review status: criteria provided, single submitter. Criteria: Ambry Variant Classification Scheme 2023. Collection method: clinical testing. Allele origin: germline.

Breakthrough Genomics
Classification: Benign. Review status: criteria provided, single submitter. Criteria: ACMG Guidelines, 2015. Collection method: not provided. Allele origin: germline. Inheritance: Autosomal recessive inheritance. Affected: yes.

PreventionGenetics, part of Exact Sciences
Classification: Benign for CEP164-related condition. Last evaluated: 2019-03-26. Review status: no assertion criteria provided. Collection method: clinical testing. Allele origin: germline. Not counted in ClinVar's aggregate classification.
Comment: This variant is classified as benign based on ACMG/AMP sequence variant interpretation guidelines (Richards et al. 2015 PMID: 25741868, with internal and published modifications).